The following is an entry in ClinVar:

ClinVar aggregate classification (germline): Uncertain significance (1 of 4 stars; one submission).

Conditions:
Von Hippel-Lindau syndrome (VHLS). Also called: Von Hippel-Lindau; von Hippel–Lindau syndrome; VHL syndrome. Identifiers: Orphanet 892, MedGen C0019562, MONDO:0008667, OMIM 193300. Disease mechanism: loss of function.
Chuvash polycythemia. Also called: POLYCYTHEMIA, VHL-DEPENDENT. Identifiers: Orphanet 238557, MedGen C1837915, MONDO:0009892, OMIM 263400.

Submission:

Labcorp Genetics (formerly Invitae), Labcorp
Classification: Uncertain significance for Von Hippel-Lindau syndrome; Chuvash polycythemia. Last evaluated: 2022-01-14. Review status: criteria provided, single submitter. Criteria: Invitae Variant Classification Sherloc (09022015). Collection method: clinical testing. Allele origin: germline.
Comment: This sequence change falls in intron 1 of the VHL gene. It is not expected to change the encoded amino acid sequence of the VHL protein. However, this sequence change falls within a cryptic exon in the VHL gene, known as exon E1’, which is naturally expressed at low levels in several human tissues (PMID: 29891534). This variant is not present in population databases (gnomAD no frequency). This variant has not been reported in the literature in individuals affected with VHL-related conditions. Experimental studies and prediction algorithms are not available or were not evaluated, and the functional significance of this variant is currently unknown. In summary, the available evidence is currently insufficient to determine the role of this variant in disease. Therefore, it has been classified as a Variant of Uncertain Significance.

Literature cited by the submitters: PubMed 29891534.

NM_000551.4(VHL):c.340+650A>C

Genes: VHL (von Hippel-Lindau tumor suppressor; plus strand), LOC107303340 (3p25 von Hippel-Lindau tumor suppressor, E3 ubiquitin protein ligase Alu-mediated recombination region; plus strand). Cytogenetic location: 3p25.3.
Variant type: single nucleotide variant.
Coding change: c.340+650A>C on transcript NM_000551.4 (MANE Select); 650 bases into the intron after coding-DNA position 340, A replaced by C.
Molecular consequence: intron variant. On other transcripts: missense variant (1).
Genome position (GRCh38, 1-based): chr3:10,142,837, A>C. VCF-style: chr3-10142837-A-C. GRCh37 (hg19) VCF-style: chr3-10184521-A-C.
Other names: c.415A>C, p.Thr139Pro (NM_001354723.2); c.340+650A>C (NM_198156.3); short protein forms T139P.
Identifiers: ClinVar variation 2082962 (VCV002082962.4), dbSNP rs2125125925, ClinGen allele CA2580068426.